The following is an entry in ClinVar:

NM_000036.3(AMPD1):c.1067_1073del (p.Thr356fs)

Gene: AMPD1 (adenosine monophosphate deaminase 1; minus strand). Cytogenetic location: 1p13.2.
Variant type: Deletion.
Coding change: c.1067_1073del on transcript NM_000036.3 (MANE Select); coding-DNA positions 1067 to 1073, 7 bases deleted (CTGTTGA; older notation c.1067_1073delCTGTTGA).
Protein change: p.Thr356fs; shifts the reading frame from threonine 356.
Molecular consequence: frameshift variant.
Genome position (GRCh38, 1-based): chr1:114,678,352-114,678,358, TCAACAG deleted on the plus strand (CTGTTGA on the coding strand, the reverse complement: AMPD1 is on the minus strand); deleting any 7 consecutive bases within chr1:114,678,352-114,678,361 gives the same sequence; the c. name uses the placement nearest the transcript's 3' end. VCF-style (leftmost placement, unchanged base first): chr1-114678351-ATCAACAG-A. GRCh37 (hg19) VCF-style: chr1-115220972-ATCAACAG-A.
Other names: c.1055_1061del, p.Thr352fs (NM_001172626.2); short protein forms T356fs, T352fs.
Identifiers: ClinVar variation 3703039 (VCV003703039.2).

ClinVar aggregate classification (germline): Uncertain significance (1 of 4 stars; one submission).

Conditions:
Muscle AMP deaminase deficiency (MMDD). Also called: AMPD1 DEFICIENCY; Myoadenylate deaminase deficiency, myopathy due to; Adenosine monophosphate deaminase 1 deficiency; AMP deaminase 1 deficiency; Adenosine Monophosphate Deaminase 1; ADENOSINE MONOPHOSPHATE DEAMINASE-1 DEFICIENCY, MYOPATHY DUE TO. Identifiers: Orphanet 45, MedGen C3714933, MONDO:0014220, OMIM 615511.

Submission:

Labcorp Genetics (formerly Invitae), Labcorp
Classification: Uncertain significance for Muscle AMP deaminase deficiency. Last evaluated: 2024-10-10. Review status: criteria provided, single submitter. Criteria: Invitae Variant Classification Sherloc (09022015). Collection method: clinical testing. Allele origin: germline.
Comment: This sequence change creates a premature translational stop signal (p.Thr389Ilefs*25) in the AMPD1 gene. It is expected to result in an absent or disrupted protein product. However, the current clinical and genetic evidence is not sufficient to establish whether loss-of-function variants in AMPD1 cause disease. This variant is present in population databases (rs772981078, gnomAD 0.009%). This variant has not been reported in the literature in individuals affected with AMPD1-related conditions. In summary, the available evidence is currently insufficient to determine the role of this variant in disease. Therefore, it has been classified as a Variant of Uncertain Significance.